The following is an entry in ClinVar:

NM_152542.5(PPM1K):c.971A>G (p.His324Arg)

Gene: PPM1K (protein phosphatase, Mg2+/Mn2+ dependent 1K; minus strand). Cytogenetic location: 4q22.1.
Variant type: single nucleotide variant.
Coding change: c.971A>G on transcript NM_152542.5 (MANE Select); coding-DNA position 971, A replaced by G.
Protein change: p.His324Arg; replaces histidine 324 with arginine.
Molecular consequence: missense variant.
Genome position (GRCh38, 1-based): chr4:88,265,017, T>C on the plus strand (A>G on the coding strand, the complement: PPM1K is on the minus strand). VCF-style: chr4-88265017-T-C. GRCh37 (hg19) VCF-style: chr4-89186169-T-C.
Other names: short protein forms H324R.
Identifiers: ClinVar variation 857355 (VCV000857355.9), dbSNP rs1731250018, ClinGen allele CA357705530.
Genomic context (GRCh38, chr4:88,265,017, plus strand): 5'-CCTTCCTTCTCCTTGGGACTTTTCAGGCAGAAGCTCTGGGTCACCTGTTCAGTCACCGCA[T>C]GGGCTGCTTCGTTGGGATCATGGCACTGATTGACAAAGTCACAAATCTCTTGACTATTCA-3'
Protein context (NP_689755.3, residues 314-334): NQCHDPNEAA[His324Arg]AVTEQAIQYG

ClinVar aggregate classification (germline): Uncertain significance (1 of 4 stars; one submission).

Conditions:
Maple syrup urine disease, mild variant (MSUDMV). Identifiers: Orphanet 511, MedGen C3554575, MONDO:0014057, OMIM 615135.

Allele frequency attached by ClinVar (database versions not stated): gnomAD exomes 0.00001.
gnomAD v4.1: 6 of 1,614,198 alleles (0.00037%); highest among the groups gnomAD compares: Non-Finnish European, 0.00051%; no homozygotes.

Submission:

Labcorp Genetics (formerly Invitae), Labcorp
Classification: Uncertain significance for Maple syrup urine disease, mild variant. Last evaluated: 2019-04-05. Review status: criteria provided, single submitter. Criteria: Invitae Variant Classification Sherloc (09022015). Collection method: clinical testing. Allele origin: germline.
Comment: Algorithms developed to predict the effect of sequence changes on RNA splicing suggest that this variant may create or strengthen a splice site, but this prediction has not been confirmed by published transcriptional studies. In summary, the available evidence is currently insufficient to determine the role of this variant in disease. Therefore, it has been classified as a Variant of Uncertain Significance. This variant has not been reported in the literature in individuals with PPM1K-related conditions. This variant is not present in population databases (ExAC no frequency). This sequence change replaces histidine with arginine at codon 324 of the PPM1K protein (p.His324Arg). The histidine residue is highly conserved and there is a small physicochemical difference between histidine and arginine. Algorithms developed to predict the effect of missense changes on protein structure and function output the following: SIFT: "Tolerated"; PolyPhen-2: "Benign"; Align-GVGD: "Class C0". The arginine amino acid residue is found in multiple mammalian species, suggesting that this missense change does not adversely affect protein function. These predictions have not been confirmed by published functional studies and their clinical significance is uncertain.